The following is an entry in ClinVar:

ClinVar aggregate classification (germline): Uncertain significance. Review status: criteria provided, multiple submitters, no conflicts (2 of 4 stars). 3 submissions from 2 submitters: Uncertain significance (3). Last evaluated 2021-12-23.

Conditions:
Weill-Marchesani syndrome. Also called: WM Syndrome; Mesodermal dysmorphodystrophy congenital. Identifiers: Orphanet 3449, MedGen C0265313, MONDO:0018096.
Glaucoma 3, primary congenital, D. Identifiers: Orphanet 98976, MedGen C2751316, MONDO:0013122, OMIM 613086.

Allele frequency attached by ClinVar (database versions not stated): gnomAD exomes 0.00015 and 0.00004; ExAC below 0.00001; TOPMed 0.00003; gnomAD 0.00005.
gnomAD v4.1: 206 of 1,551,792 alleles (0.013%); highest among the groups gnomAD compares: Non-Finnish European, 0.018%; no homozygotes.

Submissions (3):

Labcorp Genetics (formerly Invitae), Labcorp
Classification: Uncertain significance. Last evaluated: 2021-12-23. Review status: criteria provided, single submitter. Criteria: Invitae Variant Classification Sherloc (09022015). Collection method: clinical testing. Allele origin: germline.
Comment: This sequence change replaces serine, which is neutral and polar, with leucine, which is neutral and non-polar, at codon 951 of the LTBP2 protein (p.Ser951Leu). This variant is present in population databases (rs773718655, gnomAD 0.01%). This variant has not been reported in the literature in individuals affected with LTBP2-related conditions. ClinVar contains an entry for this variant (Variation ID: 314291). Algorithms developed to predict the effect of missense changes on protein structure and function (SIFT, PolyPhen-2, Align-GVGD) all suggest that this variant is likely to be disruptive. In summary, the available evidence is currently insufficient to determine the role of this variant in disease. Therefore, it has been classified as a Variant of Uncertain Significance.

Illumina Laboratory Services, Illumina
Classification: Uncertain significance for Weill-Marchesani syndrome. Last evaluated: 2018-01-12. Review status: criteria provided, single submitter. Criteria: ICSL Variant Classification Criteria 13 December 2019. Collection method: clinical testing. Allele origin: germline.

Illumina Laboratory Services, Illumina
Classification: Uncertain significance for Glaucoma 3, primary congenital, D. Last evaluated: 2018-01-12. Review status: criteria provided, single submitter. Criteria: ICSL Variant Classification Criteria 13 December 2019. Collection method: clinical testing. Allele origin: germline.

NM_000428.3(LTBP2):c.2852C>T (p.Ser951Leu)

Gene: LTBP2 (latent transforming growth factor beta binding protein 2; minus strand). Cytogenetic location: 14q24.3.
Variant type: single nucleotide variant.
Coding change: c.2852C>T on transcript NM_000428.3 (MANE Select); coding-DNA position 2852, C replaced by T.
Protein change: p.Ser951Leu; replaces serine 951 with leucine.
Molecular consequence: missense variant.
Genome position (GRCh38, 1-based): chr14:74,516,878, G>A on the plus strand (C>T on the coding strand, the complement: LTBP2 is on the minus strand). VCF-style: chr14-74516878-G-A. GRCh37 (hg19) VCF-style: chr14-74983581-G-A.
Other names: short protein forms S951L.
Identifiers: ClinVar variation 314291 (VCV000314291.6), dbSNP rs773718655, ClinGen allele CA7269373.